The following is an entry in ClinVar:

NM_000051.4(ATM):c.3752G>A (p.Cys1251Tyr)

Gene: ATM (ATM serine/threonine kinase; plus strand). Cytogenetic location: 11q22.3.
Variant type: single nucleotide variant.
Coding change: c.3752G>A on transcript NM_000051.4 (MANE Select); coding-DNA position 3752, G replaced by A.
Protein change: p.Cys1251Tyr; replaces cysteine 1251 with tyrosine.
Molecular consequence: missense variant.
Genome position (GRCh38, 1-based): chr11:108,284,232, G>A. VCF-style: chr11-108284232-G-A. GRCh37 (hg19) VCF-style: chr11-108154959-G-A.
Other names: c.3752G>A, p.Cys1251Tyr (NM_001351834.2); short protein forms C1251Y.
Identifiers: ClinVar variation 824161 (VCV000824161.12), dbSNP rs1427548500, ClinGen allele CA382524203.

ClinVar aggregate classification (germline): Uncertain significance. Review status: criteria provided, multiple submitters, no conflicts (2 of 4 stars). 2 submissions from 2 submitters: Uncertain significance (2). Last evaluated 2022-01-27.

Conditions:
Hereditary cancer-predisposing syndrome. Also called: Neoplastic Syndromes, Hereditary; Hereditary Cancer Syndrome; Hereditary neoplastic syndrome; Tumor predisposition. Identifiers: Orphanet 140162, MedGen C0027672, MeSH D009386, MONDO:0015356.
Ataxia-telangiectasia syndrome (AT). Also called: ATAXIA-TELANGIECTASIA, COMPLEMENTATION GROUP A; ATAXIA-TELANGIECTASIA, FRESNO VARIANT; Ataxia-telangiectasia, complementation group E; Ataxia telangiectasia (A-T); LOUIS-BAR SYNDROME; Cerebello-oculocutaneous telangiectasia. Identifiers: Orphanet 100, MedGen C0004135, MONDO:0008840, OMIM 208900.

gnomAD v4.1: 4 of 1,606,626 alleles (0.00025%); highest among the groups gnomAD compares: Non-Finnish European, 0.00034%; no homozygotes.

Submissions (2):

Labcorp Genetics (formerly Invitae), Labcorp
Classification: Uncertain significance for Ataxia-telangiectasia syndrome. Last evaluated: 2022-01-27. Review status: criteria provided, single submitter. Criteria: Invitae Variant Classification Sherloc (09022015). Collection method: clinical testing. Allele origin: germline.
Comment: Advanced modeling of protein sequence and biophysical properties (such as structural, functional, and spatial information, amino acid conservation, physicochemical variation, residue mobility, and thermodynamic stability) performed at Invitae indicates that this missense variant is not expected to disrupt ATM protein function. In summary, the available evidence is currently insufficient to determine the role of this variant in disease. Therefore, it has been classified as a Variant of Uncertain Significance. ClinVar contains an entry for this variant (Variation ID: 824161). This variant has not been reported in the literature in individuals affected with ATM-related conditions. This variant is not present in population databases (gnomAD no frequency). This sequence change replaces cysteine, which is neutral and slightly polar, with tyrosine, which is neutral and polar, at codon 1251 of the ATM protein (p.Cys1251Tyr).

Ambry Genetics
Classification: Uncertain significance for Hereditary cancer-predisposing syndrome. Last evaluated: 2019-05-31. Review status: criteria provided, single submitter. Criteria: Ambry Variant Classification Scheme 2023. Collection method: clinical testing. Allele origin: germline.
Comment: The p.C1251Y variant (also known as c.3752G>A), located in coding exon 25 of the ATM gene, results from a G to A substitution at nucleotide position 3752. The cysteine at codon 1251 is replaced by tyrosine, an amino acid with highly dissimilar properties. This amino acid position is well conserved in available vertebrate species. In addition, this alteration is predicted to be tolerated by in silico analysis. Since supporting evidence is limited at this time, the clinical significance of this alteration remains unclear.